The following is an entry in ClinVar:

ClinVar aggregate classification (germline): Uncertain significance. Review status: criteria provided, multiple submitters, no conflicts (2 of 4 stars). 2 submissions from 2 submitters: Uncertain significance (2). Last evaluated 2025-10-26.

Conditions:
Cardiovascular phenotype. Identifiers: MedGen CN230736.

gnomAD v4.1: 4 of 1,612,988 alleles (0.00025%); highest among the groups gnomAD compares: Non-Finnish European, 0.00034%; no homozygotes.

Submissions (2):

Labcorp Genetics (formerly Invitae), Labcorp
Classification: Uncertain significance. Last evaluated: 2025-10-26. Review status: criteria provided, single submitter. Criteria: Invitae Variant Classification Sherloc (09022015). Collection method: clinical testing. Allele origin: germline.
Comment: This sequence change replaces threonine, which is neutral and polar, with alanine, which is neutral and non-polar, at codon 1212 of the ALPK3 protein (p.Thr1212Ala). This variant is not present in population databases (gnomAD no frequency). This variant has not been reported in the literature in individuals affected with ALPK3-related conditions. ClinVar contains an entry for this variant (Variation ID: 1733433). Invitae Evidence Modeling of protein sequence and biophysical properties (such as structural, functional, and spatial information, amino acid conservation, physicochemical variation, residue mobility, and thermodynamic stability) indicates that this missense variant is expected to disrupt ALPK3 protein function with a positive predictive value of 80%. In summary, the available evidence is currently insufficient to determine the role of this variant in disease. Therefore, it has been classified as a Variant of Uncertain Significance.

Ambry Genetics
Classification: Uncertain significance for Cardiovascular phenotype. Last evaluated: 2021-06-12. Review status: criteria provided, single submitter. Criteria: Ambry Variant Classification Scheme 2023. Collection method: clinical testing. Allele origin: germline.
Comment: The p.T1212A variant (also known as c.3634A>G), located in coding exon 6 of the ALPK3 gene, results from an A to G substitution at nucleotide position 3634. The threonine at codon 1212 is replaced by alanine, an amino acid with similar properties. This amino acid position is conserved. In addition, this alteration is predicted to be tolerated by in silico analysis. Since supporting evidence is limited at this time, the clinical significance of this alteration remains unclear.

NM_020778.5(ALPK3):c.3028A>G (p.Thr1010Ala)

Gene: ALPK3 (alpha kinase 3; plus strand). Cytogenetic location: 15q25.3.
Variant type: single nucleotide variant.
Coding change: c.3028A>G on transcript NM_020778.5 (MANE Select); coding-DNA position 3028, A replaced by G.
Protein change: p.Thr1010Ala; replaces threonine 1010 with alanine.
Molecular consequence: missense variant.
Genome position (GRCh38, 1-based): chr15:84,857,766, A>G. VCF-style: chr15-84857766-A-G. GRCh37 (hg19) VCF-style: chr15-85400997-A-G.
Other names: short protein forms T1010A.
Identifiers: ClinVar variation 1733433 (VCV001733433.4), dbSNP rs2505721132, ClinGen allele CA393359455.